The following is an entry in ClinVar:

NM_002295.6(RPSA):c.103G>A (p.Glu35Lys)

Gene: RPSA (ribosomal protein SA; plus strand). Cytogenetic location: 3p22.1.
Variant type: single nucleotide variant.
Coding change: c.103G>A on transcript NM_002295.6 (MANE Select); coding-DNA position 103, G replaced by A.
Protein change: p.Glu35Lys; replaces glutamic acid 35 with lysine.
Molecular consequence: missense variant.
Genome position (GRCh38, 1-based): chr3:39,407,756, G>A. VCF-style: chr3-39407756-G-A. GRCh37 (hg19) VCF-style: chr3-39449247-G-A.
Other names: c.103G>A, p.Glu35Lys (NM_001012321.1, NM_001304288.2); short protein forms E35K.
Identifiers: ClinVar variation 2857952 (VCV002857952.3), dbSNP rs1381954909, ClinGen allele CA352210165.

ClinVar aggregate classification (germline): Uncertain significance (1 of 4 stars; one submission).

Allele frequency attached by ClinVar (database versions not stated): gnomAD 0.00007.
gnomAD v4.1: 10 of 1,597,512 alleles (0.00063%); highest among the groups gnomAD compares: Admixed American, 0.017%; no homozygotes.

Submission:

Labcorp Genetics (formerly Invitae), Labcorp
Classification: Uncertain significance. Last evaluated: 2024-10-10. Review status: criteria provided, single submitter. Criteria: Invitae Variant Classification Sherloc (09022015). Collection method: clinical testing. Allele origin: germline.
Comment: This sequence change replaces glutamic acid, which is acidic and polar, with lysine, which is basic and polar, at codon 35 of the RPSA protein (p.Glu35Lys). This variant is not present in population databases (gnomAD no frequency). This variant has not been reported in the literature in individuals affected with RPSA-related conditions. Invitae Evidence Modeling of protein sequence and biophysical properties (such as structural, functional, and spatial information, amino acid conservation, physicochemical variation, residue mobility, and thermodynamic stability) indicates that this missense variant is not expected to disrupt RPSA protein function with a negative predictive value of 80%. In summary, the available evidence is currently insufficient to determine the role of this variant in disease. Therefore, it has been classified as a Variant of Uncertain Significance.